The following is an entry in ClinVar:

NM_006846.4(SPINK5):c.2138A>T (p.Gln713Leu)

Gene: SPINK5 (serine peptidase inhibitor Kazal type 5; plus strand). Cytogenetic location: 5q32.
Variant type: single nucleotide variant.
Coding change: c.2138A>T on transcript NM_006846.4 (MANE Select); coding-DNA position 2138, A replaced by T.
Protein change: p.Gln713Leu; replaces glutamine 713 with leucine.
Molecular consequence: missense variant.
Genome position (GRCh38, 1-based): chr5:148,118,462, A>T. VCF-style: chr5-148118462-A-T. GRCh37 (hg19) VCF-style: chr5-147498025-A-T.
Other names: c.2138A>T, p.Gln713Leu (NM_001127698.2, NM_001127699.2); short protein forms Q713L.
Identifiers: ClinVar variation 936869 (VCV000936869.7), dbSNP rs762624618, ClinGen allele CA3495879.

ClinVar aggregate classification (germline): Uncertain significance. Review status: criteria provided, multiple submitters, no conflicts (2 of 4 stars). 2 submissions from 2 submitters: Uncertain significance (2). Last evaluated 2022-10-17.

Conditions:
Netherton syndrome (NETH). Also called: NETHERTON DISEASE; COMEL-NETHERTON SYNDROME; ERYTHRODERMA, ICHTHYOSIFORM, WITH HYPOTRICHOSIS AND HYPER-IgE. Identifiers: Orphanet 634, MedGen C5574950, MONDO:0009735, OMIM 256500.

Allele frequency attached by ClinVar (database versions not stated): gnomAD 0.00001; gnomAD exomes 0.00002 and 0.00007; ExAC 0.00009.
gnomAD v4.1: 41 of 1,614,178 alleles (0.0025%); highest among the groups gnomAD compares: Middle Eastern, 0.082%; no homozygotes.

Submissions (2):

Labcorp Genetics (formerly Invitae), Labcorp
Classification: Uncertain significance for Ichthyosis linearis circumflexa. Last evaluated: 2022-10-17. Review status: criteria provided, single submitter. Criteria: Invitae Variant Classification Sherloc (09022015). Collection method: clinical testing. Allele origin: germline.
Comment: This sequence change replaces glutamine, which is neutral and polar, with leucine, which is neutral and non-polar, at codon 713 of the SPINK5 protein (p.Gln713Leu). This variant is present in population databases (rs762624618, gnomAD 0.03%). This variant has not been reported in the literature in individuals affected with SPINK5-related conditions. ClinVar contains an entry for this variant (Variation ID: 936869). Advanced modeling of protein sequence and biophysical properties (such as structural, functional, and spatial information, amino acid conservation, physicochemical variation, residue mobility, and thermodynamic stability) performed at Invitae indicates that this missense variant is not expected to disrupt SPINK5 protein function. In summary, the available evidence is currently insufficient to determine the role of this variant in disease. Therefore, it has been classified as a Variant of Uncertain Significance.

GeneDx
Classification: Uncertain significance. Last evaluated: 2019-08-15. Review status: criteria provided, single submitter. Criteria: GeneDx Variant Classification Process June 2021. Collection method: clinical testing. Allele origin: germline. Affected: yes.
Comment: In silico analysis, which includes protein predictors and evolutionary conservation, supports that this variant does not alter protein structure/function; Has not been previously published as pathogenic or benign to our knowledge